The following is an entry in ClinVar:

ClinVar aggregate classification (germline): Uncertain significance. Review status: criteria provided, multiple submitters, no conflicts (2 of 4 stars). 3 submissions from 3 submitters: Uncertain significance (2). 1 of the submissions does not count toward it. Last evaluated 2025-02-24.

Conditions:
TSC2-related disorder. Also called: TSC2-Related Disorders; TSC2-related condition.
Tuberous sclerosis 2 (TSC2). Identifiers: Orphanet 805, MedGen C1860707, MONDO:0013199, OMIM 613254.

Submissions (3):

GeneDx
Classification: Uncertain significance. Last evaluated: 2025-02-24. Review status: criteria provided, single submitter. Criteria: GeneDx Variant Classification Process June 2021. Collection method: clinical testing. Allele origin: germline.
Comment: Not observed at significant frequency in large population cohorts (gnomAD); In silico analysis supports that this missense variant has a deleterious effect on protein structure/function; Has not been previously published as pathogenic or benign to our knowledge

Labcorp Genetics (formerly Invitae), Labcorp
Classification: Uncertain significance for Tuberous sclerosis 2. Last evaluated: 2022-02-20. Review status: criteria provided, single submitter. Criteria: Invitae Variant Classification Sherloc (09022015). Collection method: clinical testing. Allele origin: germline.
Comment: In summary, the available evidence is currently insufficient to determine the role of this variant in disease. Therefore, it has been classified as a Variant of Uncertain Significance. Advanced modeling of protein sequence and biophysical properties (such as structural, functional, and spatial information, amino acid conservation, physicochemical variation, residue mobility, and thermodynamic stability) performed at Invitae indicates that this missense variant is expected to disrupt TSC2 protein function. This variant has not been reported in the literature in individuals affected with TSC2-related conditions. This variant is not present in population databases (gnomAD no frequency). This sequence change replaces arginine, which is basic and polar, with proline, which is neutral and non-polar, at codon 1749 of the TSC2 protein (p.Arg1749Pro).

PreventionGenetics, part of Exact Sciences
Classification: Uncertain significance for TSC2-related condition. Last evaluated: 2024-01-25. Review status: no assertion criteria provided. Collection method: clinical testing. Allele origin: germline. Not counted in ClinVar's aggregate classification.
Comment: The TSC2 c.5246G>C variant is predicted to result in the amino acid substitution p.Arg1749Pro. To our knowledge, this variant has not been reported in the literature or in a large population database, indicating this variant is rare. Different substitutions at the same amino acid (p.Arg1749Gln, p.Arg1749Trp) have been reported in a study of individuals with a suspected diagnosis of tuberous sclerosis complex (Table S1, Meng et al. 2021. PubMed ID: 32917966). At this time, the clinical significance of this variant is uncertain due to the absence of conclusive functional and genetic evidence.

NM_000548.5(TSC2):c.5246G>C (p.Arg1749Pro)

Gene: TSC2 (TSC complex subunit 2; plus strand). Cytogenetic location: 16p13.3.
Variant type: single nucleotide variant.
Coding change: c.5246G>C on transcript NM_000548.5 (MANE Select); coding-DNA position 5246, G replaced by C.
Protein change: p.Arg1749Pro; replaces arginine 1749 with proline.
Molecular consequence: missense variant.
Genome position (GRCh38, 1-based): chr16:2,088,312, G>C. VCF-style: chr16-2088312-G-C. GRCh37 (hg19) VCF-style: chr16-2138313-G-C.
Other names: c.5246G>C (NM_000548.4); c.5045G>C, p.Arg1682Pro (NM_001077183.3); c.5177G>C, p.Arg1726Pro (NM_001114382.3); c.4937G>C, p.Arg1646Pro (NM_001318827.2); c.4901G>C, p.Arg1634Pro (NM_001318829.2); c.4514G>C, p.Arg1505Pro (NM_001318831.2); c.5078G>C, p.Arg1693Pro (NM_001318832.2); c.5048G>C, p.Arg1683Pro (NM_001363528.2); and 28 more; short protein forms R1234P, R1235P, R1482P, R1549P, R1645P, R1677P, R1679P, R1682P.
Identifiers: ClinVar variation 2099933 (VCV002099933.8), dbSNP rs1555440785, ClinGen allele CA394314711.